The following is an entry in ClinVar:

ClinVar aggregate classification (germline): Uncertain significance (1 of 4 stars; one submission).

Conditions:
Gastrointestinal stromal tumor. Also called: Gastrointestinal stromal tumor, somatic; Gastrointestinal stroma tumor. Identifiers: Orphanet 44890, MedGen C0238198, MeSH D046152, MONDO:0011719, OMIM 606764, HP:0100723.

Submission:

Labcorp Genetics (formerly Invitae), Labcorp
Classification: Uncertain significance for Gastrointestinal stromal tumor. Last evaluated: 2024-01-03. Review status: criteria provided, single submitter. Criteria: Invitae Variant Classification Sherloc (09022015). Collection method: clinical testing. Allele origin: germline.
Comment: This sequence change affects a donor splice site in intron 10 of the PDGFRA gene. It is expected to disrupt RNA splicing. Variants that disrupt the donor or acceptor splice site typically lead to a loss of protein function (PMID: 16199547), however the current clinical and genetic evidence is not sufficient to establish whether loss-of-function variants in PDGFRA cause disease. This variant is not present in population databases (gnomAD no frequency). This variant has not been reported in the literature in individuals affected with PDGFRA-related conditions. Algorithms developed to predict the effect of sequence changes on RNA splicing suggest that this variant may disrupt the consensus splice site. In summary, the available evidence is currently insufficient to determine the role of this variant in disease. Therefore, it has been classified as a Variant of Uncertain Significance.

Literature cited by the submitters: PubMed 16199547.

NM_006206.6(PDGFRA):c.1558+1G>T

Gene: PDGFRA (platelet derived growth factor receptor alpha; plus strand). Cytogenetic location: 4q12.
Variant type: single nucleotide variant.
Coding change: c.1558+1G>T on transcript NM_006206.6 (MANE Select); the canonical splice donor site of the intron after coding-DNA position 1558, G replaced by T.
Molecular consequence: splice donor variant.
Genome position (GRCh38, 1-based): chr4:54,273,731, G>T. VCF-style: chr4-54273731-G-T. GRCh37 (hg19) VCF-style: chr4-55139898-G-T.
Other names: c.1633+1G>T (NM_001347828.2); c.1558+1G>T (NM_001347827.2, NM_001347829.2); c.1597+1G>T (NM_001347830.2).
Identifiers: ClinVar variation 2707172 (VCV002707172.3), dbSNP rs2110293480, ClinGen allele CA356892814.
Genomic context (GRCh38, chr4:54,273,731, plus strand): 5'-GATGCCTGGCTAAGAATCTCCTTGGAGCTGAGAACCGAGAGCTGAAGCTGGTGGCTCCCA[G>T]TGAGTTCCTCAACAGTCAGGACAACTCATCAGCTGAGCCGCATCTGCCCCAGGCGGAACT-3'